The following is an entry in ClinVar:

ClinVar aggregate classification (germline): Uncertain significance (1 of 4 stars; one submission).

Conditions:
HPS5-related disorder. Also called: HPS5-related condition.

gnomAD v4.1: 6 of 1,614,204 alleles (0.00037%); highest among the groups gnomAD compares: South Asian, 0.0066%; no homozygotes.

Submission:

PreventionGenetics, part of Exact Sciences
Classification: Uncertain significance for HPS5-related condition. Last evaluated: 2025-10-24. Review status: criteria provided, single submitter. Criteria: ACMG Guidelines, 2015. Collection method: clinical testing. Allele origin: germline.
Comment: The HPS5 c.996T>G variant is predicted to result in the amino acid substitution p.Asp332Glu. To our knowledge, this variant has not been reported in the literature. This variant is reported in 0.0065% of alleles in individuals of South Asian descent in gnomAD. At this time, the clinical significance of this variant is uncertain due to the absence of conclusive functional and genetic evidence.

NM_181507.2(HPS5):c.996T>G (p.Asp332Glu)

Gene: HPS5 (HPS5 biogenesis of lysosomal organelles complex 2 subunit 2; minus strand). Cytogenetic location: 11p15.1.
Variant type: single nucleotide variant.
Coding change: c.996T>G on transcript NM_181507.2 (MANE Select); coding-DNA position 996, T replaced by G.
Protein change: p.Asp332Glu; replaces aspartic acid 332 with glutamic acid.
Molecular consequence: missense variant.
Genome position (GRCh38, 1-based): chr11:18,298,960, A>C on the plus strand (T>G on the coding strand, the complement: HPS5 is on the minus strand). VCF-style: chr11-18298960-A-C. GRCh37 (hg19) VCF-style: chr11-18320507-A-C.
Other names: c.996T>G, p.Asp332Glu (NM_001440902.1, NM_001440903.1, NM_001440904.1 and 5 more transcripts); c.921T>G, p.Asp307Glu (NM_001440907.1, NM_001440908.1, NM_001440909.1); c.885T>G, p.Asp295Glu (NM_001440913.1, NM_001440914.1, NM_001440915.1); c.810T>G, p.Asp270Glu (NM_001440918.1); c.783T>G, p.Asp261Glu (NM_001440919.1); c.654T>G, p.Asp218Glu (NM_001440920.1, NM_001440921.1, NM_001440922.1 and 7 more transcripts); c.582T>G, p.Asp194Glu (NM_001440927.1, NM_001440928.1, NM_001440929.1); short protein forms D218E, D261E, D295E, D307E, D332E, D194E, D270E.
Identifiers: ClinVar variation 4999376 (VCV004999376.1).
Genomic context (GRCh38, chr11:18,298,960, plus strand): 5'-GAGATGTGAGACTTTCCCATTTAGGTGCAAACAGAACAATTCATTCCTACAGACAGCCAC[A>C]TCCTGAATATCTACGAAAACCACAGGTGTGAACATACAAAATGTTAACCAAATACCCCTT-3'
Protein context (NP_852608.1, residues 322-342): LLWSEVKDIQ[Asp332Glu]VAVCRNELFC